The following is an entry in ClinVar:

ClinVar aggregate classification (germline): Likely pathogenic (1 of 4 stars; one submission).

Submission:

GeneDx
Classification: Likely pathogenic. Last evaluated: 2026-07-02. Review status: criteria provided, single submitter. Criteria: GeneDx Variant Classification Process June 2021. Collection method: clinical testing. Allele origin: germline.
Comment: Not observed at significant frequency in large population cohorts (gnomAD); In silico analysis supports that this missense variant has a deleterious effect on protein structure/function; Has not been previously published as pathogenic or benign to our knowledge

NM_022841.7(RFX7):c.3043C>T (p.Pro1015Ser)

Gene: RFX7 (regulatory factor X7; minus strand). Cytogenetic location: 15q21.3.
Variant type: single nucleotide variant.
Coding change: c.3043C>T on transcript NM_022841.7 (MANE Select); coding-DNA position 3043, C replaced by T.
Protein change: p.Pro1015Ser; replaces proline 1015 with serine.
Molecular consequence: missense variant.
Genome position (GRCh38, 1-based): chr15:56,094,685, G>A on the plus strand (C>T on the coding strand, the complement: RFX7 is on the minus strand). VCF-style: chr15-56094685-G-A. GRCh37 (hg19) VCF-style: chr15-56386883-G-A.
Other names: c.2752C>T, p.Pro918Ser (NM_001368073.2, NM_001368074.1, NM_001370554.1); c.3043C>T, p.Pro1015Ser (NM_001370561.1); short protein forms P1015S, P918S.
Identifiers: ClinVar variation 4278876 (VCV004278876.2).